The following is an entry in ClinVar:

ClinVar aggregate classification (germline): Uncertain significance. Review status: criteria provided, multiple submitters, no conflicts (2 of 4 stars). 2 submissions from 2 submitters: Uncertain significance (2). Last evaluated 2025-12-19.

Conditions:
Congenital heart defects, multiple types, 5. Identifiers: MedGen C4693563, MONDO:0060663, OMIM 617912.

Allele frequency attached by ClinVar (database versions not stated): gnomAD 0.00009 and 0.00011; ESP Exome Variant Server 0.00016; gnomAD exomes 0.00001 and 0.00002; TOPMed 0.00011.

Submissions (2):

Labcorp Genetics (formerly Invitae), Labcorp
Classification: Uncertain significance. Last evaluated: 2025-12-19. Review status: criteria provided, single submitter. Criteria: Invitae Variant Classification Sherloc (09022015). Collection method: clinical testing. Allele origin: germline.
Comment: This sequence change replaces valine, which is neutral and non-polar, with methionine, which is neutral and non-polar, at codon 150 of the GATA5 protein (p.Val150Met). The frequency data for this variant in the population databases is considered unreliable, as metrics indicate poor data quality at this position in the gnomAD database. This variant has not been reported in the literature in individuals affected with GATA5-related conditions. ClinVar contains an entry for this variant (Variation ID: 1398284). Invitae Evidence Modeling of protein sequence and biophysical properties (such as structural, functional, and spatial information, amino acid conservation, physicochemical variation, residue mobility, and thermodynamic stability) indicates that this missense variant is not expected to disrupt GATA5 protein function with a negative predictive value of 80%. In summary, the available evidence is currently insufficient to determine the role of this variant in disease. Therefore, it has been classified as a Variant of Uncertain Significance.

Clinical Genomics Laboratory, Stanford Medicine
Classification: Uncertain significance for Congenital heart defects, multiple types, 5. Last evaluated: 2023-06-05. Review status: criteria provided, single submitter. Criteria: ACMG Guidelines, 2015. Collection method: clinical testing. Allele origin: germline. Observed: 1 variant allele, 1 heterozygote.
Comment: The p.Val150Met variant in the GATA5 gene has not been previously reported in association with disease. This variant has been identified in 4/10,286 African/African American chromosomes (4/80,944 chromosomes overall) by the Genome Aggregation Database. Notably, allele frequency information may be unreliable as this variant is indicated to have poor coverage.This variant is present in ClinVar (VCV001398284.5). The valine at position 150 is poorly evolutionarily conserved and methionine is observed at this position in several vertebrate species. Computational tools predict that the p.Val150Met variant is neither deleterious nor benign; however, the accuracy of in silico algorithms is limited. These data were assessed using the ACMG/AMP variant interpretation guidelines. In summary, the significance of the p.Val150Met variant is uncertain. Additional information is needed to resolve the significance of this variant. [ACMG evidence codes used: None]

NM_080473.5(GATA5):c.448G>A (p.Val150Met)

Gene: GATA5 (GATA binding protein 5; minus strand). Cytogenetic location: 20q13.33.
Variant type: single nucleotide variant.
Coding change: c.448G>A on transcript NM_080473.5 (MANE Select); coding-DNA position 448, G replaced by A.
Protein change: p.Val150Met; replaces valine 150 with methionine.
Molecular consequence: missense variant.
Genome position (GRCh38, 1-based): chr20:62,475,074, C>T on the plus strand (G>A on the coding strand, the complement: GATA5 is on the minus strand). VCF-style: chr20-62475074-C-T. GRCh37 (hg19) VCF-style: chr20-61050130-C-T.
Other names: short protein forms V150M.
Identifiers: ClinVar variation 1398284 (VCV001398284.7), dbSNP rs111545528, ClinGen allele CA9946314.